The following is an entry in ClinVar:

ClinVar aggregate classification (germline): Likely benign. Review status: criteria provided, multiple submitters, no conflicts (2 of 4 stars). 2 submissions from 2 submitters: Likely benign (2). Last evaluated 2025-08-14.

Conditions:
DNAJB2-related disorder. Also called: DNAJB2-related condition.
Neuronopathy, distal hereditary motor, autosomal recessive 5. Also called: Spinal muscular atrophy, distal, autosomal recessive, 5; Young adult-onset distal hereditary motor neuropathy; NEUROPATHY, DISTAL HEREDITARY MOTOR, AUTOSOMAL RECESSIVE 5. Identifiers: Orphanet 314485, Orphanet 443950, MedGen C4749918, MONDO:0013947, OMIM 614881.

Allele frequency attached by ClinVar (database versions not stated): gnomAD exomes below 0.00001; gnomAD 0.00001; TOPMed 0.00002.

Submissions (2):

PreventionGenetics, part of Exact Sciences
Classification: Likely benign for DNAJB2-related condition. Last evaluated: 2025-08-14. Review status: criteria provided, single submitter. Criteria: ACMG Guidelines, 2015. Collection method: clinical testing. Allele origin: germline.
Comment: This variant is classified as likely benign based on ACMG/AMP sequence variant interpretation guidelines (Richards et al. 2015 PMID: 25741868, with internal and published modifications).

Labcorp Genetics (formerly Invitae), Labcorp
Classification: Likely benign for Neuronopathy, distal hereditary motor, autosomal recessive 5. Last evaluated: 2022-11-01. Review status: criteria provided, single submitter. Criteria: Invitae Variant Classification Sherloc (09022015). Collection method: clinical testing. Allele origin: germline.

NM_006736.6(DNAJB2):c.96A>G (p.Pro32=)

Gene: DNAJB2 (DnaJ heat shock protein family (Hsp40) member B2; plus strand). Cytogenetic location: 2q35.
Variant type: single nucleotide variant.
Coding change: c.96A>G on transcript NM_006736.6 (MANE Select); coding-DNA position 96, A replaced by G.
Protein change: p.Pro32=; no amino-acid change (proline 32 retained).
Molecular consequence: synonymous variant.
Genome position (GRCh38, 1-based): chr2:219,280,608, A>G. VCF-style: chr2-219280608-A-G. GRCh37 (hg19) VCF-style: chr2-220145330-A-G.
Other names: c.96A>G (NM_006736.5); c.96A>G, p.Pro32= (NM_001039550.2).
Identifiers: ClinVar variation 2910084 (VCV002910084.4), dbSNP rs1951895566, ClinGen allele CA431266724.